The following is an entry in ClinVar:

NM_003126.4(SPTA1):c.4484A>C (p.Lys1495Thr)

Gene: SPTA1 (spectrin alpha, erythrocytic 1; minus strand). Cytogenetic location: 1q23.1.
Variant type: single nucleotide variant.
Coding change: c.4484A>C on transcript NM_003126.4 (MANE Select); coding-DNA position 4484, A replaced by C.
Protein change: p.Lys1495Thr; replaces lysine 1495 with threonine.
Molecular consequence: missense variant.
Genome position (GRCh38, 1-based): chr1:158,642,935, T>G on the plus strand (A>C on the coding strand, the complement: SPTA1 is on the minus strand). VCF-style: chr1-158642935-T-G. GRCh37 (hg19) VCF-style: chr1-158612725-T-G.
Other names: short protein forms K1495T.
Identifiers: ClinVar variation 1313777 (VCV001313777.2), dbSNP rs2101830005, ClinGen allele CA343030976.

ClinVar aggregate classification (germline): Uncertain significance (1 of 4 stars; one submission).

Submission:

GeneDx
Classification: Uncertain significance. Last evaluated: 2021-01-06. Review status: criteria provided, single submitter. Criteria: GeneDx Variant Classification Process June 2021. Collection method: clinical testing. Allele origin: germline. Affected: yes.
Comment: Not observed in large population cohorts (Lek et al., 2016); In silico analysis supports that this missense variant has a deleterious effect on protein structure/function; Has not been previously published as pathogenic or benign to our knowledge